The following is an entry in ClinVar:

NM_000207.3(INS):c.110A>G (p.Glu37Gly)

Genes: INS (insulin; minus strand), INS-IGF2 (INS-IGF2 readthrough; minus strand). Cytogenetic location: 11p15.5.
Variant type: single nucleotide variant.
Coding change: c.110A>G on transcript NM_000207.3 (MANE Select); coding-DNA position 110, A replaced by G.
Protein change: p.Glu37Gly; replaces glutamic acid 37 with glycine.
Molecular consequence: missense variant. On other transcripts: non-coding transcript variant (1).
Genome position (GRCh38, 1-based): chr11:2,160,862, T>C on the plus strand (A>G on the coding strand, the complement: INS is on the minus strand). VCF-style: chr11-2160862-T-C. GRCh37 (hg19) VCF-style: chr11-2182092-T-C.
Other names: c.110A>G, p.Glu37Gly (NM_001185097.2, NM_001185098.2, NM_001291897.2 and 1 more transcripts); c.110A>G (NM_000207.2); short protein forms E37G.
Identifiers: ClinVar variation 3767720 (VCV003767720.2).

ClinVar aggregate classification (germline): Conflicting classifications of pathogenicity. Review status: criteria provided, conflicting classifications (1 of 4 stars). 2 submissions from 2 submitters: Likely pathogenic (1); Uncertain significance (1). Last evaluated 2025-12-02.

Conditions:
INS-related disorder. Also called: INS-related condition.

Submissions (2):

PreventionGenetics, part of Exact Sciences
Classification: Likely pathogenic for INS-related condition. Last evaluated: 2025-12-02. Review status: criteria provided, single submitter. Criteria: ACMG Guidelines, 2015. Collection method: clinical testing. Allele origin: germline.
Comment: The INS c.110A>G variant is predicted to result in the amino acid substitution p.Glu37Gly. To our knowledge, this variant has not been reported in the literature or in a large population database (gnomAD), indicating this variant is rare. This variant corresponds to the highly conserved position B13 in the insulin B-chain which has been shown to be crucial for controlling assembly and dissolution of insulin hexamers, and may be important for protein structure (Bentley et al. 1992. PubMed ID: 1361949). At PreventionGenetics this variant has been reported to segregate with disease in a family with monogenic diabetes. An alternate missense change at the same amino acid position (p.Glu37Lys) has been reported in an individual with monogenic diabetes (Harsunen et al. 2023. PubMed ID: 36418577). This variant is interpreted as likely pathogenic.

GeneDx
Classification: Uncertain significance. Last evaluated: 2024-09-03. Review status: criteria provided, single submitter. Criteria: GeneDx Variant Classification Process June 2021. Collection method: clinical testing. Allele origin: germline. Affected: yes.
Comment: Not observed at significant frequency in large population cohorts (gnomAD); In silico analysis supports that this missense variant has a deleterious effect on protein structure/function; Has not been previously published as pathogenic or benign to our knowledge